The following is an entry in ClinVar:

NM_001114753.3(ENG):c.562C>T (p.Gln188Ter)

Gene: ENG (endoglin; minus strand). Cytogenetic location: 9q34.11.
Variant type: single nucleotide variant.
Coding change: c.562C>T on transcript NM_001114753.3 (MANE Select); coding-DNA position 562, C replaced by T.
Protein change: p.Gln188Ter; replaces glutamine 188 with a stop codon.
Molecular consequence: nonsense.
Genome position (GRCh38, 1-based): chr9:127,825,822, G>A on the plus strand (C>T on the coding strand, the complement: ENG is on the minus strand). VCF-style: chr9-127825822-G-A. GRCh37 (hg19) VCF-style: chr9-130588101-G-A.
Other names: p.Q188*:CAG>TAG; p.Gln188*; c.562C>T, p.Gln188Ter (NM_000118.4, NM_001406715.1); c.16C>T, p.Gln6Ter (NM_001278138.2); short protein forms Q188*, Q6*.
Identifiers: ClinVar variation 213211 (VCV000213211.12), dbSNP rs863223537, ClinGen allele CA324406.

ClinVar aggregate classification (germline): Pathogenic. Review status: criteria provided, multiple submitters, no conflicts (2 of 4 stars). 5 submissions from 5 submitters: Pathogenic (5). Last evaluated 2025-02-04.

Conditions:
Hereditary hemorrhagic telangiectasia (HHT). Also called: Osler hemorrhagic telangiectasia syndrome; ORW DISEASE; Osler Weber Rendu syndrome; OSLER-RENDU-WEBER DISEASE. Identifiers: Orphanet 774, MedGen C0039445, MONDO:0019180. Disease mechanism: loss of function.
Cardiovascular phenotype. Identifiers: MedGen CN230736.

Submissions (5):

Clinical Genetics Laboratory, Skane University Hospital Lund
Classification: Pathogenic for Hereditary hemorrhagic telangiectasia. Last evaluated: 2025-02-04. Review status: criteria provided, single submitter. Criteria: ACMG Guidelines, 2015. Collection method: clinical testing. Allele origin: germline. Affected: yes.
Comment: ACMG criteria used: PVS1, PS4_Moderate, PM2_Supporting, PP4_Moderate

Ambry Genetics
Classification: Pathogenic for Cardiovascular phenotype. Last evaluated: 2022-09-09. Review status: criteria provided, single submitter. Criteria: Ambry Variant Classification Scheme 2023. Collection method: clinical testing. Allele origin: germline.
Comment: The p.Q188* pathogenic mutation (also known as c.562C>T), located in coding exon 5 of the ENG gene, results from a C to T substitution at nucleotide position 562. This changes the amino acid from a glutamine to a stop codon within coding exon 5. This variant is considered to be rare based on population cohorts in the Genome Aggregation Database (gnomAD). This alteration is expected to result in loss of function by premature protein truncation or nonsense-mediated mRNA decay. As such, this alteration is interpreted as a disease-causing mutation.

Mayo Clinic Laboratories, Mayo Clinic
Classification: Pathogenic. Last evaluated: 2021-12-21. Review status: criteria provided, single submitter. Criteria: ACMG Guidelines, 2015. Collection method: clinical testing. Allele origin: germline.
Comment: PM2, PS4_moderate, PVS1

Labcorp Genetics (formerly Invitae), Labcorp
Classification: Pathogenic for Hereditary hemorrhagic telangiectasia. Last evaluated: 2018-09-07. Review status: criteria provided, single submitter. Criteria: Invitae Variant Classification Sherloc (09022015). Collection method: clinical testing. Allele origin: germline.
Comment: This sequence change creates a premature translational stop signal (p.Gln188*) in the ENG gene. It is expected to result in an absent or disrupted protein product. This variant is not present in population databases (ExAC no frequency). This variant has not been reported in the literature in individuals with ENG-related disease. ClinVar contains an entry for this variant (Variation ID: 213211). Loss-of-function variants in ENG are known to be pathogenic (PMID: 15879500, 20656886, 22385575). For these reasons, this variant has been classified as Pathogenic.

GeneDx
Classification: Pathogenic. Last evaluated: 2016-11-02. Review status: criteria provided, single submitter. Criteria: GeneDx Variant Classification (06012015). Collection method: clinical testing. Allele origin: germline. Affected: yes.
Comment: The Q188X pathogenic variant in the ENG gene has not been reported as a disease-causing mutation or as a benign polymorphism to our knowledge. Q188X is predicted to cause loss of normal protein function either by protein truncation or nonsense-mediated mRNA decay. Other nonsense variants in the ENG gene have been reported in association with HHT. In summary, Q188X in the ENG gene is interpreted as a pathogenic variant. This variant was found in HHT-PANCARD